The following is an entry in ClinVar:

ClinVar aggregate classification (germline): Pathogenic (1 of 4 stars; one submission).

Conditions:
Gorlin syndrome. Also called: Basal cell nevus syndrome; Nevoid Basal Cell Carcinoma Syndrome. Identifiers: Orphanet 377, MedGen C0004779, MONDO:0007187.

Submission:

Labcorp Genetics (formerly Invitae), Labcorp
Classification: Pathogenic for Gorlin syndrome. Last evaluated: 2017-02-12. Review status: criteria provided, single submitter. Criteria: Invitae Variant Classification Sherloc (09022015). Collection method: clinical testing. Allele origin: germline.
Comment: For these reasons, this variant has been classified as Pathogenic. While this particular variant has not been reported in the literature, loss-of-function variants in PTCH1 are known to be pathogenic (PMID: 16301862, 16419085). This sequence change deletes 1 nucleotide from exon 16 of the PTCH1 mRNA (c.2639delG), causing a frameshift at codon 880. This creates a premature translational stop signal (p.Gly880Glufs*23) and is expected to result in an absent or disrupted protein product.

Literature cited by the submitters: PubMed 16301862; PubMed 16419085.

NM_000264.5(PTCH1):c.2639del (p.Gly880fs)

Gene: PTCH1 (patched 1; minus strand). Cytogenetic location: 9q22.32.
Variant type: Deletion.
Coding change: c.2639del on transcript NM_000264.5 (MANE Select); coding-DNA position 2639, one base deleted (G; older notation c.2639delG).
Protein change: p.Gly880fs; shifts the reading frame from glycine 880.
Molecular consequence: frameshift variant. On other transcripts: non-coding transcript variant (1).
Genome position (GRCh38, 1-based): chr9:95,461,920, C deleted on the plus strand (G on the coding strand, the reverse complement: PTCH1 is on the minus strand); the first of 2 consecutive C bases (chr9:95,461,920-95,461,921); deleting either gives the same sequence. VCF-style (leftmost placement, unchanged base first): chr9-95461919-TC-T. GRCh37 (hg19) VCF-style: chr9-98224201-TC-T.
Other names: c.2441del, p.Gly814fs (NM_001083602.3); c.2636del, p.Gly879fs (NM_001083603.3); c.2186del, p.Gly729fs (NM_001083604.3, NM_001083605.3, NM_001083606.3 and 1 more transcripts); c.2483del, p.Gly828fs (NM_001354918.2); short protein forms G879fs, G880fs, G814fs, G729fs, G828fs.
Identifiers: ClinVar variation 453826 (VCV000453826.7), dbSNP rs1554692266, ClinGen allele CA658657886.